The following is an entry in ClinVar:

NM_017565.4(FAM20A):c.111_145del (p.Glu39fs)

Gene: FAM20A (FAM20A golgi associated secretory pathway pseudokinase; minus strand). Cytogenetic location: 17q24.2.
Variant type: Deletion.
Coding change: c.111_145del on transcript NM_017565.4 (MANE Select); coding-DNA positions 111 to 145, 35 bases deleted.
Protein change: p.Glu39fs; shifts the reading frame from glutamic acid 39.
Molecular consequence: frameshift variant. On other transcripts: 5 prime UTR variant (1).
Genome position (GRCh38, 1-based): chr17:68,600,522-68,600,556, 35 bases deleted; deleting any 35 consecutive bases within chr17:68,600,522-68,600,561 gives the same sequence; the c. name uses the placement nearest the transcript's 3' end. GRCh37 (hg19): chr17:66,596,668-66,596,702.
Other names: c.-530_-496del (NM_001243746.2); short protein forms E39fs.
Identifiers: ClinVar variation 1240402 (VCV001240402.1), dbSNP rs2143965549, ClinGen allele CA2499224883.

ClinVar aggregate classification (germline): Pathogenic (1 of 4 stars; one submission).

Conditions:
Amelogenesis imperfecta type 1G (AI1G). Also called: AMELOGENESIS IMPERFECTA, TYPE IG; AMELOGENESIS IMPERFECTA, HYPOPLASTIC, AND NEPHROCALCINOSIS; Amelogenesis imperfecta hypoplastic type, IG; Amelogenesis imperfecta and nephrocalcinosis; ENAMEL-RENAL-GINGIVAL SYNDROME; AMELOGENESIS IMPERFECTA, HYPOPLASTIC, WITH NEPHROCALCINOSIS. Identifiers: Orphanet 1031, Orphanet 171836, MedGen C2931783, MONDO:0008771, OMIM 204690. Disease mechanism: loss of function.

Submission:

HudsonAlpha Institute for Biotechnology
Classification: Pathogenic for Amelogenesis imperfecta type 1G. Last evaluated: 2020-04-29. Review status: criteria provided, single submitter. Criteria: ACMG Guidelines, 2015. Collection method: research. Allele origin: inherited. Affected: yes. Observed: 2 variant alleles. Study: HudsonAlpha-AGHI-WGS.
Comment: ACMG codes:PVS1, PM2, PP4